The following is an entry in ClinVar:

NM_016221.4(DCTN4):c.351G>A (p.Thr117=)

Gene: DCTN4 (dynactin subunit 4; minus strand). Cytogenetic location: 5q33.1.
Variant type: single nucleotide variant.
Coding change: c.351G>A on transcript NM_016221.4 (MANE Select); coding-DNA position 351, G replaced by A.
Protein change: p.Thr117=; no amino-acid change (threonine 117 retained).
Molecular consequence: synonymous variant.
Genome position (GRCh38, 1-based): chr5:150,753,513, C>T on the plus strand (G>A on the coding strand, the complement: DCTN4 is on the minus strand). VCF-style: chr5-150753513-C-T. GRCh37 (hg19) VCF-style: chr5-150133075-C-T.
Other names: c.351G>A, p.Thr117= (NM_001135643.2); c.180G>A, p.Thr60= (NM_001135644.2).
Identifiers: ClinVar variation 5038714 (VCV005038714.1).

ClinVar aggregate classification (germline): Likely benign (1 of 4 stars; one submission).

gnomAD v4.1: 21 of 1,614,050 alleles (0.0013%); highest among the groups gnomAD compares: African/African-American, 0.011%; no homozygotes.

Submission:

CeGaT Center for Human Genetics Tuebingen
Classification: Likely benign. Last evaluated: 2026-07-01. Review status: criteria provided, single submitter. Criteria: CeGaT Center For Human Genetics Tuebingen Variant Classification Criteria Version 2. Collection method: clinical testing. Allele origin: germline. Affected: yes. Observed: 1 variant allele.
Comment: DCTN4: BP4, BP7